The following is an entry in ClinVar:

NM_004646.4(NPHS1):c.2022del (p.Ala675fs)

Gene: NPHS1 (NPHS1 adhesion molecule, nephrin; minus strand). Cytogenetic location: 19q13.12.
Variant type: Deletion.
Coding change: c.2022del on transcript NM_004646.4 (MANE Select); coding-DNA position 2022, one base deleted (C; older notation c.2022delC).
Protein change: p.Ala675fs; shifts the reading frame from alanine 675.
Molecular consequence: frameshift variant.
Genome position (GRCh38, 1-based): chr19:35,844,368, G deleted on the plus strand (C on the coding strand, the reverse complement: NPHS1 is on the minus strand); the first of 4 consecutive G bases (chr19:35,844,368-35,844,371); deleting any one gives the same sequence. VCF-style (leftmost placement, unchanged base first): chr19-35844367-CG-C. GRCh37 (hg19) VCF-style: chr19-36335269-CG-C.
Other names: short protein forms A675fs.
Identifiers: ClinVar variation 5011661 (VCV005011661.1).

ClinVar aggregate classification (germline): Pathogenic (1 of 4 stars; one submission).

Conditions:
Finnish congenital nephrotic syndrome (NPHS1). Also called: NEPHROTIC SYNDROME, TYPE 1. Identifiers: Orphanet 839, MedGen C0403399, MONDO:0009732, OMIM 256300.

Submission:

Myriad Genetics, Inc.
Classification: Pathogenic for Finnish congenital nephrotic syndrome. Last evaluated: 2023-09-13. Review status: criteria provided, single submitter. Criteria: Myriad Autosomal Dominant, Autosomal Recessive and X-Linked Classification Criteria (2023). Collection method: clinical testing. Allele origin: unknown.
Comment: NM_004646.3(NPHS1):c.2022delC(A675Pfs*35) is expected to be pathogenic in the context of nephrotic syndrome, NPHS1-related. This variant is predicted to lead to an abnormal or absent protein product due to the creation of a premature termination codon in NPHS1, a gene where loss-of-function variants are known to be pathogenic. Please note: this variant was assessed in the context of healthy population screening.